The following is an entry in ClinVar:

NM_006070.6(TFG):c.416-9T>C

Gene: TFG (trafficking from ER to golgi regulator; plus strand). Cytogenetic location: 3q12.2.
Variant type: single nucleotide variant.
Coding change: c.416-9T>C on transcript NM_006070.6 (MANE Select); 9 bases into the intron before coding-DNA position 416, T replaced by C.
Molecular consequence: intron variant.
Genome position (GRCh38, 1-based): chr3:100,732,499, T>C. VCF-style: chr3-100732499-T-C. GRCh37 (hg19) VCF-style: chr3-100451343-T-C.
Other names: p.?; c.416-9T>C (NM_001007565.2, NM_001195479.2, NM_001195478.2).
Identifiers: ClinVar variation 378719 (VCV000378719.27), dbSNP rs115896544, ClinGen allele CA2517084.

ClinVar aggregate classification (germline): Benign/Likely benign. Review status: criteria provided, multiple submitters, no conflicts (2 of 4 stars). 7 submissions from 7 submitters: Benign (5); Likely benign (1). 1 of the submissions does not count toward it. Last evaluated 2026-02-01.

Conditions:
TFG-related disorder. Also called: TFG-related disorders; TFG-related condition.
Hereditary motor and sensory neuropathy, Okinawa type (HMSNO). Also called: HEREDITARY MOTOR AND SENSORY NEUROPATHY, PROXIMAL TYPE. Identifiers: Orphanet 90117, MedGen C1858338, MONDO:0011468, OMIM 604484.
Hereditary spastic paraplegia 57. Also called: Spastic paraplegia 57, autosomal recessive. Identifiers: Orphanet 431329, MedGen C3714897, MONDO:0014295, OMIM 615658.

Allele frequency attached by ClinVar (database versions not stated): ExAC 0.00503; 1000 Genomes Project 30x 0.01515; 1000 Genomes Project 0.01558; gnomAD 0.01591 and 0.01708; TOPMed 0.01720; ESP Exome Variant Server 0.01799.
gnomAD v4.1: 4,632 of 1,595,378 alleles (0.29%); highest among the groups gnomAD compares: African/African-American, 5.6%; 116 homozygotes.

Submissions (7):

Labcorp Genetics (formerly Invitae), Labcorp
Classification: Benign for Hereditary motor and sensory neuropathy, Okinawa type; Hereditary spastic paraplegia 57. Last evaluated: 2026-02-01. Review status: criteria provided, single submitter. Criteria: Invitae Variant Classification Sherloc (09022015). Collection method: clinical testing. Allele origin: germline.

ARUP Laboratories, Molecular Genetics and Genomics, ARUP Laboratories
Classification: Benign. Last evaluated: 2023-11-22. Review status: criteria provided, single submitter. Criteria: ARUP Molecular Germline Variant Investigation Process 2024. Collection method: clinical testing. Allele origin: germline.

Fulgent Genetics
Classification: Likely benign for Hereditary motor and sensory neuropathy, Okinawa type; Hereditary spastic paraplegia 57. Last evaluated: 2021-08-06. Review status: criteria provided, single submitter. Criteria: ACMG Guidelines, 2015. Collection method: clinical testing. Allele origin: unknown.

Mayo Clinic Laboratories, Mayo Clinic
Classification: Benign. Last evaluated: 2017-05-05. Review status: criteria provided, single submitter. Criteria: ACMG Guidelines, 2015. Collection method: clinical testing. Allele origin: germline. Observed: 23 variant alleles.

GeneDx
Classification: Benign. Last evaluated: 2015-07-22. Review status: criteria provided, single submitter. Criteria: GeneDx Variant Classification (06012015). Collection method: clinical testing. Allele origin: germline. Affected: yes.
Comment: This variant is considered likely benign or benign based on one or more of the following criteria: it is a conservative change, it occurs at a poorly conserved position in the protein, it is predicted to be benign by multiple in silico algorithms, and/or has population frequency not consistent with disease.

Breakthrough Genomics
Classification: Benign. Review status: criteria provided, single submitter. Criteria: ACMG Guidelines, 2015. Collection method: not provided. Allele origin: germline. Inheritance: Autosomal recessive inheritance. Affected: yes.

PreventionGenetics, part of Exact Sciences
Classification: Benign for TFG-related condition. Last evaluated: 2019-05-17. Review status: no assertion criteria provided. Collection method: clinical testing. Allele origin: germline. Not counted in ClinVar's aggregate classification.
Comment: This variant is classified as benign based on ACMG/AMP sequence variant interpretation guidelines (Richards et al. 2015 PMID: 25741868, with internal and published modifications).